The following is an entry in ClinVar:

ClinVar aggregate classification (germline): Uncertain significance (1 of 4 stars; one submission).

Conditions:
Dilated cardiomyopathy 1AA (CMD1AA). Also called: CARDIOMYOPATHY, DILATED, 1AA, WITH OR WITHOUT LEFT VENTRICULAR NONCOMPACTION; CARDIOMYOPATHY, FAMILIAL HYPERTROPHIC, 23, WITH OR WITHOUT LEFT VENTRICULAR NONCOMPACTION; Cardiomyopathy, dilated, 1AA, with or without LVNC. Identifiers: Orphanet 154, MedGen C2677338, MONDO:0012808, OMIM 612158.

gnomAD v4.1: 5 of 1,614,060 alleles (0.00031%); highest among the groups gnomAD compares: Non-Finnish European, 0.00042%; no homozygotes.

Submission:

Human Genetics Bochum, Ruhr University Bochum
Classification: Uncertain significance for Dilated cardiomyopathy 1AA. Last evaluated: 2024-09-17. Review status: criteria provided, single submitter. Criteria: ACMG Guidelines, 2015. Collection method: clinical testing. Allele origin: germline. Affected: yes.
Comment: ACMG criteria used to clasify this variant: PVS1_MOD, PM2_SUP

NM_001103.4(ACTN2):c.2526+2T>C

Gene: ACTN2 (actinin alpha 2; plus strand). Cytogenetic location: 1q43.
Variant type: single nucleotide variant.
Coding change: c.2526+2T>C on transcript NM_001103.4 (MANE Select); the canonical splice donor site of the intron after coding-DNA position 2526, T replaced by C.
Molecular consequence: splice donor variant.
Genome position (GRCh38, 1-based): chr1:236,761,175, T>C. VCF-style: chr1-236761175-T-C. GRCh37 (hg19) VCF-style: chr1-236924475-T-C.
Other names: c.2526+2T>C (NM_001278343.2).
Identifiers: ClinVar variation 4688003 (VCV004688003.1), dbSNP rs2527665700.